The following is an entry in ClinVar:

NM_004168.4(SDHA):c.267T>A (p.Cys89Ter)

Gene: SDHA (succinate dehydrogenase complex flavoprotein subunit A; plus strand). Cytogenetic location: 5p15.33.
Variant type: single nucleotide variant.
Coding change: c.267T>A on transcript NM_004168.4 (MANE Select); coding-DNA position 267, T replaced by A.
Protein change: p.Cys89Ter; replaces cysteine 89 with a stop codon.
Molecular consequence: nonsense.
Genome position (GRCh38, 1-based): chr5:224,476, T>A. VCF-style: chr5-224476-T-A. GRCh37 (hg19) VCF-style: chr5-224591-T-A.
Other names: c.267T>A, p.Cys89Ter (NM_001294332.2, NM_001330758.2); short protein forms C89*.
Identifiers: ClinVar variation 821669 (VCV000821669.13), dbSNP rs1579381753, ClinGen allele CA359008606.

ClinVar aggregate classification (germline): Pathogenic. Review status: criteria provided, multiple submitters, no conflicts (2 of 4 stars). 2 submissions from 2 submitters: Pathogenic (2). Last evaluated 2025-11-24.

Conditions:
Pheochromocytoma/paraganglioma syndrome 5. Also called: Paragangliomas 5; SDHA-Related Hereditary Paraganglioma-Pheochromocytoma Syndrome. Identifiers: Orphanet 29072, MedGen C3279992, MONDO:0013602, OMIM 614165.
Mitochondrial complex II deficiency, nuclear type 1. Also called: SUCCINATE CoQ REDUCTASE DEFICIENCY. Identifiers: Orphanet 3208, MedGen C5700310, MONDO:0100294, OMIM 252011.
Hereditary cancer-predisposing syndrome. Also called: Tumor predisposition; Hereditary neoplastic syndrome; Neoplastic Syndromes, Hereditary; Hereditary Cancer Syndrome. Identifiers: Orphanet 140162, MedGen C0027672, MeSH D009386, MONDO:0015356.

Allele frequency attached by ClinVar (database versions not stated): gnomAD exomes 0.00001.
gnomAD v4.1: 5 of 1,613,294 alleles (0.00031%); highest among the groups gnomAD compares: Non-Finnish European, 0.000085%; no homozygotes.

Submissions (2):

Labcorp Genetics (formerly Invitae), Labcorp
Classification: Pathogenic for Pheochromocytoma/paraganglioma syndrome 5; Mitochondrial complex II deficiency, nuclear type 1. Last evaluated: 2025-11-24. Review status: criteria provided, single submitter. Criteria: Invitae Variant Classification Sherloc (09022015). Collection method: clinical testing. Allele origin: germline.
Comment: This sequence change creates a premature translational stop signal (p.Cys89*) in the SDHA gene. It is expected to result in an absent or disrupted protein product. Loss-of-function variants in SDHA are known to be pathogenic (PMID: 22974104, 24781757). This variant is not present in population databases (gnomAD no frequency). This variant has not been reported in the literature in individuals affected with SDHA-related conditions. ClinVar contains an entry for this variant (Variation ID: 821669). For these reasons, this variant has been classified as Pathogenic.

Ambry Genetics
Classification: Pathogenic for Hereditary cancer-predisposing syndrome. Last evaluated: 2025-04-28. Review status: criteria provided, single submitter. Criteria: Ambry Variant Classification Scheme 2023. Collection method: clinical testing. Allele origin: germline.
Comment: The p.C89* pathogenic mutation (also known as c.267T>A), located in coding exon 3 of the SDHA gene, results from a T to A substitution at nucleotide position 267. This changes the amino acid from a cysteine to a stop codon within coding exon 3. This variant is considered to be rare based on population cohorts in the Genome Aggregation Database (gnomAD). This alteration is expected to result in loss of function by premature protein truncation or nonsense-mediated mRNA decay. As such, this alteration is interpreted as a disease-causing mutation.

Literature cited by the submitters: PubMed 22974104 (cited by Labcorp Genetics (formerly Invitae), Labcorp); PubMed 24781757 (cited by Labcorp Genetics (formerly Invitae), Labcorp).